The following is an entry in ClinVar:

NM_001127644.2(GABRA1):c.-2C>T

Gene: GABRA1 (gamma-aminobutyric acid type A receptor subunit alpha1; plus strand). Cytogenetic location: 5q34.
Variant type: single nucleotide variant.
Coding change: c.-2C>T on transcript NM_001127644.2 (MANE Select); 2 bases upstream of the start codon, C replaced by T.
Molecular consequence: 5 prime UTR variant.
Genome position (GRCh38, 1-based): chr5:161,850,809, C>T. VCF-style: chr5-161850809-C-T. GRCh37 (hg19) VCF-style: chr5-161277815-C-T.
Other names: c.-2C>T (NM_000806.5, NM_001127643.2, NM_001127645.2 and 1 more transcripts).
Identifiers: ClinVar variation 4688337 (VCV004688337.1).
Genomic context (GRCh38, chr5:161,850,809, plus strand): 5'-GATGTTTCTTGCTAGAGACATTGATCTCTACTTATTCTACTTTTCAGCTGCTCCAGCCCG[C>T]GATGAGGAAAAGTCCAGGTCTGTCTGACTGTCTTTGGGCCTGGATCCTCCTTCTGAGCAC-3'

ClinVar aggregate classification (germline): Uncertain significance (1 of 4 stars; one submission).

gnomAD v4.1: 22 of 1,613,826 alleles (0.0014%); highest among the groups gnomAD compares: Middle Eastern, 0.016%; no homozygotes.

Submission:

Women's Health and Genetics/Laboratory Corporation of America, LabCorp
Classification: Uncertain significance. Last evaluated: 2025-12-12. Review status: criteria provided, single submitter. Criteria: LabCorp Variant Classification Summary - May 2015. Collection method: clinical testing. Allele origin: germline.
Comment: Variant summary: GABRA1 c.-2C>T is located in the untranslated mRNA region upstream of the initiation codon. The variant was absent in 251428 control chromosomes. The available data on variant occurrences in the general population are insufficient to allow any conclusion about variant significance. To our knowledge, no occurrence of c.-2C>T in individuals affected with GABRA1-related conditions and no experimental evidence demonstrating its impact on protein function have been reported. No submitters have cited clinical-significance assessments for this variant to ClinVar. Based on the evidence outlined above, the variant was classified as uncertain significance.